The following is an entry in ClinVar:

ClinVar aggregate classification (germline): Pathogenic (1 of 4 stars; one submission).

Submission:

Labcorp Genetics (formerly Invitae), Labcorp
Classification: Pathogenic. Last evaluated: 2023-05-15. Review status: criteria provided, single submitter. Criteria: Invitae Variant Classification Sherloc (09022015). Collection method: clinical testing. Allele origin: germline.
Comment: This sequence change creates a premature translational stop signal (p.Phe538Serfs*170) in the ERCC2 gene. It is expected to result in an absent or disrupted protein product. Loss-of-function variants in ERCC2 are known to be pathogenic (PMID: 9238033, 11335038, 19085937, 19934020). This variant is present in population databases (no rsID available, gnomAD 0.007%). This variant has not been reported in the literature in individuals affected with ERCC2-related conditions. For these reasons, this variant has been classified as Pathogenic.

Literature cited by the submitters: PubMed 9238033; PubMed 11335038; PubMed 19085937; PubMed 19934020.

NM_000400.4(ERCC2):c.1611_1614del (p.Phe538fs)

Gene: ERCC2 (ERCC excision repair 2, TFIIH core complex helicase subunit; minus strand). Cytogenetic location: 19q13.32.
Variant type: Deletion.
Coding change: c.1611_1614del on transcript NM_000400.4 (MANE Select); coding-DNA positions 1611 to 1614, 4 bases deleted (CTTC; older notation c.1611_1614delCTTC).
Protein change: p.Phe538fs; shifts the reading frame from phenylalanine 538.
Molecular consequence: frameshift variant.
Genome position (GRCh38, 1-based): chr19:45,354,781-45,354,784, GAAG deleted on the plus strand (CTTC on the coding strand, the reverse complement: ERCC2 is on the minus strand); deleting any 4 consecutive bases within chr19:45,354,781-45,354,785 gives the same sequence; the c. name uses the placement nearest the transcript's 3' end. VCF-style (leftmost placement, unchanged base first): chr19-45354780-AGAAG-A. GRCh37 (hg19) VCF-style: chr19-45858038-AGAAG-A.
Other names: short protein forms F538fs.
Identifiers: ClinVar variation 2853227 (VCV002853227.3), dbSNP rs1450177088, ClinGen allele CA633341269.
Genomic context (GRCh38, chr19:45,354,780, plus strand): 5'-CCAGGCGTACCTGCTCATACCAGGAGGCCACGGTGCTCTCCATGTACTGGTAGCTGGTGA[AGAAG>A]GCCACGATGCCATCAGGGACCACAGCGGACATCTCCAGCAGGAGGTTCCCATAGTTCCGG-3'